The following is an entry in ClinVar:

NM_181426.2(CCDC39):c.1257_1258insA (p.Leu420fs)

Gene: CCDC39 (coiled-coil domain 39 molecular ruler complex subunit; minus strand). Cytogenetic location: 3q26.33.
Variant type: Insertion.
Coding change: c.1257_1258insA on transcript NM_181426.2 (MANE Select); coding-DNA positions 1257 to 1258, A inserted.
Protein change: p.Leu420fs; shifts the reading frame from leucine 420.
Molecular consequence: frameshift variant.
Genome position: GRCh38 VCF-style: chr3-180648269-A-AT. GRCh37 (hg19) VCF-style: chr3-180366057-A-AT.
Other names: short protein forms L420fs.
Identifiers: ClinVar variation 2915909 (VCV002915909.3), dbSNP rs2473810012, ClinGen allele CA2739279689.
Genomic context (GRCh38, chr3:180,648,269, plus strand): 5'-GTTTTTGTAACTGATGGTTGAGATGTTTCAGAGAGGAACGAGTTCCTTCAATTTCTGATA[A>AT]AACAGCTTTTTCTTTCATTGTCTCAGTCTGTAACTCCTGAGCTTTCTTAAACAGCACACC-3'

ClinVar aggregate classification (germline): Pathogenic (1 of 4 stars; one submission).

Conditions:
Primary ciliary dyskinesia. Also called: Ciliary dyskinesia. Identifiers: Orphanet 244, MedGen C0008780, MONDO:0016575, HP:0012265.

Submission:

Labcorp Genetics (formerly Invitae), Labcorp
Classification: Pathogenic for Primary ciliary dyskinesia. Last evaluated: 2024-01-04. Review status: criteria provided, single submitter. Criteria: Invitae Variant Classification Sherloc (09022015). Collection method: clinical testing. Allele origin: germline.
Comment: This sequence change creates a premature translational stop signal (p.Leu420Ilefs*5) in the CCDC39 gene. It is expected to result in an absent or disrupted protein product. Loss-of-function variants in CCDC39 are known to be pathogenic (PMID: 21131972, 23255504). This variant is not present in population databases (gnomAD no frequency). This variant has not been reported in the literature in individuals affected with CCDC39-related conditions. Algorithms developed to predict the effect of sequence changes on RNA splicing suggest that this variant may disrupt the consensus splice site. For these reasons, this variant has been classified as Pathogenic.

Literature cited by the submitters: PubMed 21131972; PubMed 23255504.